The following is an entry in ClinVar:

NM_031935.3(HMCN1):c.3514A>G (p.Lys1172Glu)

Gene: HMCN1 (hemicentin 1; plus strand). Cytogenetic location: 1q31.1.
Variant type: single nucleotide variant.
Coding change: c.3514A>G on transcript NM_031935.3 (MANE Select); coding-DNA position 3514, A replaced by G.
Protein change: p.Lys1172Glu; replaces lysine 1172 with glutamic acid.
Molecular consequence: missense variant.
Genome position (GRCh38, 1-based): chr1:185,994,823, A>G. VCF-style: chr1-185994823-A-G. GRCh37 (hg19) VCF-style: chr1-185963955-A-G.
Other names: short protein forms K1172E.
Identifiers: ClinVar variation 2129811 (VCV002129811.4), dbSNP rs543897847, ClinGen allele CA33440138.
Genomic context (GRCh38, chr1:185,994,823, plus strand): 5'-AAGAAAGGAATTTGTGAAAGTTGGATTATTAATACCCAGTTATTATTTCTAGTTCCTCCA[A>G]AGATACAGCGTGGACCTAAACATCTCAAAGTCCAAGTTGGTCAAAGAGTGGATATTCCAT-3'
Protein context (NP_114141.2, residues 1162-1182): AVKLNVHVPP[Lys1172Glu]IQRGPKHLKV

ClinVar aggregate classification (germline): Uncertain significance (1 of 4 stars; one submission).

Allele frequency attached by ClinVar (database versions not stated): gnomAD exomes below 0.00001.
gnomAD v4.1: 2 of 1,613,496 alleles (0.00012%); highest among the groups gnomAD compares: Non-Finnish European, 0.00017%; no homozygotes.

Submission:

Labcorp Genetics (formerly Invitae), Labcorp
Classification: Uncertain significance. Last evaluated: 2022-04-23. Review status: criteria provided, single submitter. Criteria: Invitae Variant Classification Sherloc (09022015). Collection method: clinical testing. Allele origin: germline.
Comment: Algorithms developed to predict the effect of missense changes on protein structure and function are either unavailable or do not agree on the potential impact of this missense change (SIFT: "Deleterious"; PolyPhen-2: "Probably Damaging"; Align-GVGD: "Class C0"). This variant has not been reported in the literature in individuals affected with HMCN1-related conditions. This variant is not present in population databases (gnomAD no frequency). This sequence change replaces lysine, which is basic and polar, with glutamic acid, which is acidic and polar, at codon 1172 of the HMCN1 protein (p.Lys1172Glu). In summary, the available evidence is currently insufficient to determine the role of this variant in disease. Therefore, it has been classified as a Variant of Uncertain Significance.